The following is an entry in ClinVar:

ClinVar aggregate classification (germline): Uncertain significance (1 of 4 stars; one submission).

Allele frequency attached by ClinVar (database versions not stated): gnomAD exomes below 0.00001.
gnomAD v4.1: 2 of 1,517,780 alleles (0.00013%); highest among the groups gnomAD compares: South Asian, 0.0024%; no homozygotes.

Submission:

Labcorp Genetics (formerly Invitae), Labcorp
Classification: Uncertain significance. Last evaluated: 2021-04-24. Review status: criteria provided, single submitter. Criteria: Invitae Variant Classification Sherloc (09022015). Collection method: clinical testing. Allele origin: germline.
Comment: In summary, the available evidence is currently insufficient to determine the role of this variant in disease. Therefore, it has been classified as a Variant of Uncertain Significance. Algorithms developed to predict the effect of missense changes on protein structure and function (SIFT, PolyPhen-2, Align-GVGD) all suggest that this variant is likely to be disruptive, but these predictions have not been confirmed by published functional studies and their clinical significance is uncertain. This variant has not been reported in the literature in individuals with PTPRJ-related conditions. This variant is not present in population databases (ExAC no frequency). This sequence change replaces alanine with threonine at codon 1003 of the PTPRJ protein (p.Ala1003Thr). The alanine residue is highly conserved and there is a small physicochemical difference between alanine and threonine.

NM_002843.4(PTPRJ):c.3007G>A (p.Ala1003Thr)

Gene: PTPRJ (protein tyrosine phosphatase receptor type J; plus strand). Cytogenetic location: 11p11.2.
Variant type: single nucleotide variant.
Coding change: c.3007G>A on transcript NM_002843.4 (MANE Select); coding-DNA position 3007, G replaced by A.
Protein change: p.Ala1003Thr; replaces alanine 1003 with threonine.
Molecular consequence: missense variant.
Genome position (GRCh38, 1-based): chr11:48,149,454, G>A. VCF-style: chr11-48149454-G-A. GRCh37 (hg19) VCF-style: chr11-48171006-G-A.
Other names: short protein forms A1003T.
Identifiers: ClinVar variation 1389172 (VCV001389172.6), dbSNP rs1265345840, ClinGen allele CA380385147.
Genomic context (GRCh38, chr11:48,149,454, plus strand): 5'-AGCACAGGAAGGAATCCTTTTTTGTCTAATGGGTCTCTTTTCTCTTAAAACAGGAAAGAT[G>A]CAAAGAATAATGAAGTGTCCTTTTCTCAAATTAAGTAAGTCTCTCAAATTATGAGCTTTA-3'
Protein context (NP_002834.3, residues 993-1013): FIFWRKKRKD[Ala1003Thr]KNNEVSFSQI